The following is an entry in ClinVar:

NM_000372.5(TYR):c.1322C>A (p.Ser441Ter)

Gene: TYR (tyrosinase; plus strand). Cytogenetic location: 11q14.3.
Variant type: single nucleotide variant.
Coding change: c.1322C>A on transcript NM_000372.5 (MANE Select); coding-DNA position 1322, C replaced by A.
Protein change: p.Ser441Ter; replaces serine 441 with a stop codon.
Molecular consequence: nonsense.
Genome position (GRCh38, 1-based): chr11:89,284,910, C>A. VCF-style: chr11-89284910-C-A. GRCh37 (hg19) VCF-style: chr11-89018078-C-A.
Other names: short protein forms S441*.
Identifiers: ClinVar variation 2899498 (VCV002899498.4), dbSNP rs544365966, ClinGen allele CA6221406.

ClinVar aggregate classification (germline): Pathogenic/Likely pathogenic. Review status: criteria provided, multiple submitters, no conflicts (2 of 4 stars). 2 submissions from 2 submitters: Pathogenic (1); Likely pathogenic (1). Last evaluated 2024-06-11.

Conditions:
Oculocutaneous albinism type 1A (OCA1A). Also called: Albinism, oculocutaneous, type IA. Identifiers: Orphanet 352731, Orphanet 79431, MedGen C4551504, MONDO:0008745, OMIM 203100. Disease mechanism: loss of function.
Oculocutaneous albinism type 1B (OCA1B). Also called: ALBINISM, YELLOW MUTANT TYPE; YELLOW ALBINISM; ALBINISM, OCULOCUTANEOUS, TYPE IB. Identifiers: Orphanet 352731, Orphanet 352737, Orphanet 79434, MedGen C1847024, MONDO:0011749, OMIM 606952.
SKIN/HAIR/EYE PIGMENTATION 3, LIGHT/DARK SKIN (SHEP3). Also called: EYE COLOR 1; EYE COLOR, GREEN/BLUE; SKIN/HAIR/EYE PIGMENTATION 3, BLUE/GREEN EYE COLOR; SKIN/HAIR/EYE PIGMENTATION 3, FRECKLING; SKIN/HAIR/EYE PIGMENTATION, VARIATION IN, 3. Identifiers: MedGen C2677190, OMIM 601800.

Allele frequency attached by ClinVar (database versions not stated): gnomAD exomes below 0.00001.
gnomAD v4.1: 1 of 1,611,738 alleles (0.000062%); highest among the groups gnomAD compares: Non-Finnish European, 0.000085%; no homozygotes.

Submissions (2):

Fulgent Genetics
Classification: Likely pathogenic for Oculocutaneous albinism type 1A; SKIN/HAIR/EYE PIGMENTATION 3, LIGHT/DARK SKIN; Oculocutaneous albinism type 1B. Last evaluated: 2024-06-11. Review status: criteria provided, single submitter. Criteria: ACMG Guidelines, 2015. Collection method: clinical testing. Allele origin: germline.

Labcorp Genetics (formerly Invitae), Labcorp
Classification: Pathogenic. Last evaluated: 2023-01-08. Review status: criteria provided, single submitter. Criteria: Invitae Variant Classification Sherloc (09022015). Collection method: clinical testing. Allele origin: germline.
Comment: This variant is present in population databases (rs544365966, gnomAD 0.0009%). This sequence change creates a premature translational stop signal (p.Ser441*) in the TYR gene. While this is not anticipated to result in nonsense mediated decay, it is expected to disrupt the last 89 amino acid(s) of the TYR protein. This variant has not been reported in the literature in individuals affected with TYR-related conditions. For these reasons, this variant has been classified as Pathogenic. This variant disrupts a region of the TYR protein in which other variant(s) (p.Ala490Cysfs*20) have been determined to be pathogenic (PMID: 1642278, 1711223, 13680365, 18463683). This suggests that this is a clinically significant region of the protein, and that variants that disrupt it are likely to be disease-causing.

Literature cited by the submitters: PubMed 1642278 (cited by Labcorp Genetics (formerly Invitae), Labcorp); PubMed 1711223 (cited by Labcorp Genetics (formerly Invitae), Labcorp); PubMed 13680365 (cited by Labcorp Genetics (formerly Invitae), Labcorp); PubMed 18463683 (cited by Labcorp Genetics (formerly Invitae), Labcorp).